The following is an entry in ClinVar:

ClinVar aggregate classification (germline): Conflicting classifications of pathogenicity. Review status: criteria provided, conflicting classifications (1 of 4 stars). 5 submissions from 4 submitters: Uncertain significance (2); Likely benign (3). Last evaluated 2026-01-13.

Conditions:
Fibrochondrogenesis 1 (FBCG1). Identifiers: Orphanet 2021, MedGen C3278138, MONDO:0009226, OMIM 228520.
Stickler syndrome type 2 (STL2). Also called: STICKLER SYNDROME, BEADED VITREOUS TYPE; STICKLER SYNDROME, VITREOUS TYPE 2; COL11A1-Related Stickler Syndrome; STICKLER SYNDROME, TYPE II. Identifiers: Orphanet 828, Orphanet 90654, MedGen C1858084, MONDO:0011493, OMIM 604841.

Allele frequency attached by ClinVar (database versions not stated): ESP Exome Variant Server 0.00015; gnomAD exomes 0.00019 and 0.00038; gnomAD 0.00022 and 0.00023; ExAC 0.00030; TOPMed 0.00031.
gnomAD v4.1: 330 of 1,609,190 alleles (0.021%); highest among the groups gnomAD compares: Non-Finnish European, 0.0035%; 1 homozygote.

Submissions (5):

Labcorp Genetics (formerly Invitae), Labcorp
Classification: Likely benign. Last evaluated: 2026-01-13. Review status: criteria provided, single submitter. Criteria: Invitae Variant Classification Sherloc (09022015). Collection method: clinical testing. Allele origin: germline.

CeGaT Center for Human Genetics Tuebingen
Classification: Likely benign. Last evaluated: 2026-01-01. Review status: criteria provided, single submitter. Criteria: CeGaT Center For Human Genetics Tuebingen Variant Classification Criteria Version 2. Collection method: clinical testing. Allele origin: germline. Affected: yes. Observed: 1 variant allele.
Comment: COL11A1: BP4, BS1

GeneDx
Classification: Likely benign. Last evaluated: 2021-04-30. Review status: criteria provided, single submitter. Criteria: GeneDx Variant Classification Process June 2021. Collection method: clinical testing. Allele origin: germline. Affected: yes.

Illumina Laboratory Services, Illumina
Classification: Uncertain significance for Stickler syndrome type 2. Last evaluated: 2018-01-12. Review status: criteria provided, single submitter. Criteria: ICSL Variant Classification Criteria 13 December 2019. Collection method: clinical testing. Allele origin: germline.

Illumina Laboratory Services, Illumina
Classification: Uncertain significance for Fibrochondrogenesis 1. Last evaluated: 2018-01-12. Review status: criteria provided, single submitter. Criteria: ICSL Variant Classification Criteria 13 December 2019. Collection method: clinical testing. Allele origin: germline.

NM_001854.4(COL11A1):c.1896G>A (p.Met632Ile)

Gene: COL11A1 (collagen type XI alpha 1 chain; minus strand). Cytogenetic location: 1p21.1.
Variant type: single nucleotide variant.
Coding change: c.1896G>A on transcript NM_001854.4 (MANE Select); coding-DNA position 1896, G replaced by A.
Protein change: p.Met632Ile; replaces methionine 632 with isoleucine.
Molecular consequence: missense variant. On other transcripts: non-coding transcript variant (1).
Genome position (GRCh38, 1-based): chr1:103,004,611, C>T on the plus strand (G>A on the coding strand, the complement: COL11A1 is on the minus strand). VCF-style: chr1-103004611-C-T. GRCh37 (hg19) VCF-style: chr1-103470167-C-T.
Other names: c.1779G>A, p.Met593Ile (NM_001190709.2); c.1932G>A, p.Met644Ile (NM_080629.3); c.1548G>A, p.Met516Ile (NM_080630.4); short protein forms M632I, M644I, M593I, M516I.
Identifiers: ClinVar variation 291529 (VCV000291529.19), dbSNP rs199835797, ClinGen allele CA974770.
Genomic context (GRCh38, chr1:103,004,611, plus strand): 5'-TTTGTTTTATTATGTTTTAATTTTAAATATTTCTTAAGAAAAGAAGTATTAACATACCCT[C>T]ATTCCATCATCACCAGGAGGACCTGGAGGACCTTGAGGACCTCGTTCACCCTGTTAAATC-3'
Protein context (NP_001845.3, residues 622-642): GPPGPPGDDG[Met632Ile]RGEDGEIGPR